The following is an entry in ClinVar:

ClinVar aggregate classification (germline): Uncertain significance (0 of 4 stars; one submission).

Conditions:
TBX3-related disorder. Also called: TBX3-related condition.

gnomAD v4.1: 8 of 1,614,186 alleles (0.0005%); highest among the groups gnomAD compares: Non-Finnish European, 0.00068%; no homozygotes.

Submission:

PreventionGenetics, part of Exact Sciences
Classification: Uncertain significance for TBX3-related condition. Last evaluated: 2024-08-09. Review status: no assertion criteria provided. Collection method: clinical testing. Allele origin: germline.
Comment: The TBX3 c.286G>A variant is predicted to result in the amino acid substitution p.Glu96Lys. To our knowledge, this variant has not been reported in the literature or in a large population database, indicating this variant is rare. At this time, the clinical significance of this variant is uncertain due to the absence of conclusive functional and genetic evidence.

NM_005996.4(TBX3):c.286G>A (p.Glu96Lys)

Genes: TBX3 (T-box transcription factor 3; minus strand), TBX3-AS1 (TBX3 antisense RNA 1; plus strand). Cytogenetic location: 12q24.21.
Variant type: single nucleotide variant.
Coding change: c.286G>A on transcript NM_005996.4 (MANE Select); coding-DNA position 286, G replaced by A.
Protein change: p.Glu96Lys; replaces glutamic acid 96 with lysine.
Molecular consequence: missense variant.
Genome position (GRCh38, 1-based): chr12:114,682,915, C>T on the plus strand (G>A on the coding strand, the complement: TBX3 is on the minus strand). VCF-style: chr12-114682915-C-T. GRCh37 (hg19) VCF-style: chr12-115120720-C-T.
Other names: c.286G>A, p.Glu96Lys (NM_016569.4); short protein forms E96K.
Identifiers: ClinVar variation 3357872 (VCV003357872.1).